The following is an entry in ClinVar:

NM_004855.5(PIGB):c.719C>G (p.Thr240Arg)

Gene: PIGB (phosphatidylinositol glycan anchor biosynthesis class B; plus strand). Cytogenetic location: 15q21.3.
Variant type: single nucleotide variant.
Coding change: c.719C>G on transcript NM_004855.5 (MANE Select); coding-DNA position 719, C replaced by G.
Protein change: p.Thr240Arg; replaces threonine 240 with arginine.
Molecular consequence: missense variant.
Genome position (GRCh38, 1-based): chr15:55,333,932, C>G. VCF-style: chr15-55333932-C-G. GRCh37 (hg19) VCF-style: chr15-55626130-C-G.
Other names: short protein forms T240R.
Identifiers: ClinVar variation 1395412 (VCV001395412.6), dbSNP rs2055479596, ClinGen allele CA392542444.

ClinVar aggregate classification (germline): Uncertain significance (1 of 4 stars; one submission).

Allele frequency attached by ClinVar (database versions not stated): TOPMed below 0.00001.

Submission:

Labcorp Genetics (formerly Invitae), Labcorp
Classification: Uncertain significance. Last evaluated: 2021-11-27. Review status: criteria provided, single submitter. Criteria: Invitae Variant Classification Sherloc (09022015). Collection method: clinical testing. Allele origin: germline.
Comment: This variant has not been reported in the literature in individuals affected with PIGB-related conditions. This variant is not present in population databases (gnomAD no frequency). This sequence change replaces threonine, which is neutral and polar, with arginine, which is basic and polar, at codon 240 of the PIGB protein (p.Thr240Arg). In summary, the available evidence is currently insufficient to determine the role of this variant in disease. Therefore, it has been classified as a Variant of Uncertain Significance. Algorithms developed to predict the effect of missense changes on protein structure and function are either unavailable or do not agree on the potential impact of this missense change (SIFT: "Deleterious"; PolyPhen-2: "Benign"; Align-GVGD: "Class C0").